The following is an entry in ClinVar:

NM_000179.3(MSH6):c.2698G>A (p.Gly900Ser)

Gene: MSH6 (mutS homolog 6; plus strand). Cytogenetic location: 2p16.3.
Variant type: single nucleotide variant.
Coding change: c.2698G>A on transcript NM_000179.3 (MANE Select); coding-DNA position 2698, G replaced by A.
Protein change: p.Gly900Ser; replaces glycine 900 with serine.
Molecular consequence: missense variant. On other transcripts: non-coding transcript variant (5), intron variant (2).
Genome position (GRCh38, 1-based): chr2:47,800,681, G>A. VCF-style: chr2-47800681-G-A. GRCh37 (hg19) VCF-style: chr2-48027820-G-A.
Other names: c.2308G>A, p.Gly770Ser (NM_001281492.2); c.1792G>A, p.Gly598Ser (NM_001281493.2, NM_001281494.2, NM_001406811.1 and 6 more transcripts); c.2794G>A, p.Gly932Ser (NM_001406795.1, NM_001406802.1); c.2698G>A, p.Gly900Ser (NM_001406796.1, NM_001406798.1, NM_001406800.1 and 2 more transcripts); c.2401G>A, p.Gly801Ser (NM_001406797.1, NM_001406801.1, NM_001406805.1 and 10 more transcripts); c.2173G>A, p.Gly725Ser (NM_001406799.1, NM_001406806.1, NM_001406807.1); c.2620G>A, p.Gly874Ser (NM_001406804.1); c.2704G>A, p.Gly902Ser (NM_001406813.1); and 4 more; short protein forms G215S, G598S, G725S, G770S, G801S, G844S, G874S, G900S.
Identifiers: ClinVar variation 4800216 (VCV004800216.1).

ClinVar aggregate classification (germline): Uncertain significance (1 of 4 stars; one submission).

Conditions:
Hereditary nonpolyposis colorectal neoplasms. Identifiers: MedGen C0009405, MeSH D003123.

Submission:

Labcorp Genetics (formerly Invitae), Labcorp
Classification: Uncertain significance for Hereditary nonpolyposis colorectal neoplasms. Last evaluated: 2025-11-11. Review status: criteria provided, single submitter. Criteria: Invitae Variant Classification Sherloc (09022015). Collection method: clinical testing. Allele origin: germline.
Comment: This sequence change replaces glycine, which is neutral and non-polar, with serine, which is neutral and polar, at codon 900 of the MSH6 protein (p.Gly900Ser). This variant is not present in population databases (gnomAD no frequency). This variant has not been reported in the literature in individuals affected with MSH6-related conditions. Invitae Evidence Modeling of protein sequence and biophysical properties (such as structural, functional, and spatial information, amino acid conservation, physicochemical variation, residue mobility, and thermodynamic stability) indicates that this missense variant is not expected to disrupt MSH6 protein function with a negative predictive value of 95%. In summary, the available evidence is currently insufficient to determine the role of this variant in disease. Therefore, it has been classified as a Variant of Uncertain Significance.